The following is an entry in ClinVar:

ClinVar aggregate classification (germline): Uncertain significance (1 of 4 stars; one submission).

Allele frequency attached by ClinVar (database versions not stated): ExAC 0.00001; gnomAD exomes 0.00001; TOPMed 0.00001; ESP Exome Variant Server 0.00008.
gnomAD v4.1: 11 of 1,610,900 alleles (0.00068%); highest among the groups gnomAD compares: African/African-American, 0.0013%; no homozygotes.

Submission:

Labcorp Genetics (formerly Invitae), Labcorp
Classification: Uncertain significance. Last evaluated: 2024-10-30. Review status: criteria provided, single submitter. Criteria: Invitae Variant Classification Sherloc (09022015). Collection method: clinical testing. Allele origin: germline.
Comment: This sequence change replaces glutamic acid, which is acidic and polar, with lysine, which is basic and polar, at codon 504 of the COL18A1 protein (p.Glu504Lys). The frequency data for this variant in the population databases is considered unreliable, as metrics indicate poor data quality at this position in the gnomAD database. This variant has not been reported in the literature in individuals affected with COL18A1-related conditions. ClinVar contains an entry for this variant (Variation ID: 1975309). Experimental studies and prediction algorithms are not available or were not evaluated, and the functional significance of this variant is currently unknown. In summary, the available evidence is currently insufficient to determine the role of this variant in disease. Therefore, it has been classified as a Variant of Uncertain Significance.

NM_001379500.1(COL18A1):c.1510G>A (p.Glu504Lys)

Gene: COL18A1 (collagen type XVIII alpha 1 chain; plus strand). Cytogenetic location: 21q22.3.
Variant type: single nucleotide variant.
Coding change: c.1510G>A on transcript NM_001379500.1 (MANE Select); coding-DNA position 1510, G replaced by A.
Protein change: p.Glu504Lys; replaces glutamic acid 504 with lysine.
Molecular consequence: missense variant.
Genome position (GRCh38, 1-based): chr21:45,480,757, G>A. VCF-style: chr21-45480757-G-A. GRCh37 (hg19) VCF-style: chr21-46900671-G-A.
Other names: c.2050G>A, p.Glu684Lys (NM_030582.4); c.2755G>A, p.Glu919Lys (NM_130444.3); short protein forms E919K, E504K, E684K.
Identifiers: ClinVar variation 1975309 (VCV001975309.5), dbSNP rs375045387, ClinGen allele CA10066373.